The following is an entry in ClinVar:

NM_001374385.1(ATP8B1):c.2021T>C (p.Met674Thr)

Gene: ATP8B1 (ATPase phospholipid transporting 8B1; minus strand). Cytogenetic location: 18q21.31.
Variant type: single nucleotide variant.
Coding change: c.2021T>C on transcript NM_001374385.1 (MANE Select); coding-DNA position 2021, T replaced by C.
Protein change: p.Met674Thr; replaces methionine 674 with threonine.
Molecular consequence: missense variant.
Genome position (GRCh38, 1-based): chr18:57,669,394, A>G on the plus strand (T>C on the coding strand, the complement: ATP8B1 is on the minus strand). VCF-style: chr18-57669394-A-G. GRCh37 (hg19) VCF-style: chr18-55336626-A-G.
Other names: c.1871T>C, p.Met624Thr (NM_001374386.1); c.2021T>C, p.Met674Thr (NM_005603.6); short protein forms M674T, M624T.
Identifiers: ClinVar variation 259817 (VCV000259817.20), dbSNP rs35470719, ClinGen allele CA8974411.

ClinVar aggregate classification (germline): Benign/Likely benign. Review status: criteria provided, multiple submitters, no conflicts (2 of 4 stars). 7 submissions from 7 submitters: Benign (5); Likely benign (2). Last evaluated 2026-04-14.

Conditions:
Familial intrahepatic cholestasis. Identifiers: Orphanet 284385, MedGen CN296401, MONDO:0017290.
Progressive familial intrahepatic cholestasis type 1. Also called: BYLER DISEASE; Byler's disease; Severe ATP8B1 Deficiency (Progressive Familial Intrahepatic Cholestasis Type 1 [PFIC1]). Identifiers: Orphanet 79306, MedGen C4551898, MONDO:0008892, OMIM 211600.

Allele frequency attached by ClinVar (database versions not stated): ExAC 0.00464; gnomAD exomes 0.00474 and 0.00191; 1000 Genomes Project 30x 0.01046; 1000 Genomes Project 0.01238; ESP Exome Variant Server 0.00008; gnomAD 0.00121 and 0.00200; TOPMed 0.00192.
gnomAD v4.1: 3,094 of 1,614,056 alleles (0.19%); highest among the groups gnomAD compares: East Asian, 5%; 80 homozygotes.

Submissions (7):

Genomenon, Inc
Classification: Benign for Familial intrahepatic cholestasis. Last evaluated: 2026-04-14. Review status: criteria provided, single submitter. Criteria: Genomenon Sequence Variant Interpretation Standards - Updated. Collection method: curation. Allele origin: germline. Affected: no.
Comment: ATP8B1 p.Met674Thr (c.2021T>C) is a missense variant that changes the amino acid at residue 674 from Methionine to Threonine. In silico models predict that this variant is not damaging. This variant is present at high allele frequency in population databases. In conclusion, we classify ATP8B1 p.Met674Thr (c.2021T>C) as a benign variant.

Labcorp Genetics (formerly Invitae), Labcorp
Classification: Benign. Last evaluated: 2026-02-04. Review status: criteria provided, single submitter. Criteria: Invitae Variant Classification Sherloc (09022015). Collection method: clinical testing. Allele origin: germline.

Illumina Laboratory Services, Illumina
Classification: Likely benign for Progressive familial intrahepatic cholestasis type 1. Last evaluated: 2017-04-27. Review status: criteria provided, single submitter. Criteria: ICSL Variant Classification Criteria 13 December 2019. Collection method: clinical testing. Allele origin: germline.
Comment: This variant was observed as part of a predisposition screen in an ostensibly healthy population. A literature search was performed for the gene, cDNA change, and amino acid change (where applicable). Publications were found based on this search. The evidence from the literature, in combination with allele frequency data from public databases where available, was sufficient to determine this variant is unlikely to cause disease. Therefore, this variant is classified as likely benign.

GeneDx
Classification: Benign. Last evaluated: 2017-02-16. Review status: criteria provided, single submitter. Criteria: GeneDx Variant Classification (06012015). Collection method: clinical testing. Allele origin: germline. Affected: yes.
Comment: This variant is considered likely benign or benign based on one or more of the following criteria: it is a conservative change, it occurs at a poorly conserved position in the protein, it is predicted to be benign by multiple in silico algorithms, and/or has population frequency not consistent with disease.

Eurofins Ntd Llc (ga)
Classification: Benign. Last evaluated: 2015-10-05. Review status: criteria provided, single submitter. Criteria: EGL Classification Definitions 2015. Collection method: clinical testing. Allele origin: germline. Observed: 1 variant allele, 1 heterozygote.

Breakthrough Genomics
Classification: Likely benign. Review status: criteria provided, single submitter. Criteria: ACMG Guidelines, 2015. Collection method: not provided. Allele origin: germline. Inheritance: Autosomal recessive inheritance. Affected: yes.

PreventionGenetics, part of Exact Sciences
Classification: Benign. Review status: criteria provided, single submitter. Criteria: ACMG Guidelines, 2015. Collection method: clinical testing. Allele origin: germline.

Literature cited by the submitters: PubMed 12149765 (cited by Illumina Laboratory Services, Illumina).